The following is an entry in ClinVar:

NM_004006.3(DMD):c.2833_2860dup (p.Trp954fs)

Gene: DMD (dystrophin; minus strand). Cytogenetic location: Xp21.1.
Variant type: Duplication.
Coding change: c.2833_2860dup on transcript NM_004006.3 (MANE Select); coding-DNA positions 2833 to 2860, 28 bases duplicated (CAGGAGACCATGAGTGCCATCAGGACAT).
Protein change: p.Trp954fs; shifts the reading frame from tryptophan 954.
Molecular consequence: frameshift variant.
Genome position (GRCh38, 1-based): chrX:32,472,253-32,472,280, ATGTCCTGATGGCACTCATGGTCTCCTG duplicated on the plus strand (CAGGAGACCATGAGTGCCATCAGGACAT on the coding strand, the reverse complement: DMD is on the minus strand); duplicating any 28 consecutive bases within chrX:32,472,253-32,472,282 gives the same sequence; the c. name uses the placement nearest the transcript's 3' end. VCF-style (leftmost placement, unchanged base first): chrX-32472252-C-CATGTCCTGATGGCACTCATGGTCTCCTG. GRCh37 (hg19) VCF-style: chrX-32490369-C-CATGTCCTGATGGCACTCATGGTCTCCTG.
Other names: c.2833_2860dup28 (NM_004006.3); c.2809_2836dup, p.Trp946fs (NM_000109.4); c.2821_2848dup, p.Trp950fs (NM_004009.3); c.2464_2491dup, p.Trp831fs (NM_004010.3); short protein forms W831fs, W946fs, W950fs, W954fs.
Identifiers: ClinVar variation 3339501 (VCV003339501.1).
Genomic context (GRCh38, chrX:32,472,252, plus strand): 5'-ATTTCATAGTCGGTGACACTAAGTTGAGGTATGGAGAGTTTGGTTTCTGACTGCTGGACC[C>CATGTCCTGATGGCACTCATGGTCTCCTG]ATGTCCTGATGGCACTCATGGTCTCCTGATAGCGCATTGGTGGCAAAGTGTCAAAAACTT-3'

ClinVar aggregate classification (germline): Pathogenic (1 of 4 stars; one submission).

Conditions:
Neuromuscular disease caused by qualitative or quantitative defects of dystrophin. Also called: Qualitative or quantitative defects of dystrophin. Identifiers: Orphanet 207085, MedGen C5679787, MONDO:0016147.

Submission:

Women's Health and Genetics/Laboratory Corporation of America, LabCorp
Classification: Pathogenic for Neuromuscular disease caused by qualitative or quantitative defects of dystrophin. Last evaluated: 2024-07-15. Review status: criteria provided, single submitter. Criteria: LabCorp Variant Classification Summary - May 2015. Collection method: clinical testing. Allele origin: germline.
Comment: Variant summary: DMD c.2833_2860dup28 (p.Trp954SerfsX24) results in a premature termination codon, predicted to cause a truncation of the encoded protein or absence of the protein due to nonsense mediated decay, which are commonly known mechanisms for disease. The variant was absent in 183134 control chromosomes. To our knowledge, no occurrence of c.2833_2860dup28 in individuals affected with Duchenne Muscular Dystrophy and no experimental evidence demonstrating its impact on protein function have been reported. No submitters have cited clinical-significance assessments for this variant to ClinVar. Based on the evidence outlined above, the variant was classified as pathogenic.